The following is an entry in ClinVar:

NM_020338.4(ZMIZ1):c.313C>G (p.Arg105Gly)

Gene: ZMIZ1 (zinc finger MIZ-type containing 1; plus strand). Cytogenetic location: 10q22.3.
Variant type: single nucleotide variant.
Coding change: c.313C>G on transcript NM_020338.4 (MANE Select); coding-DNA position 313, C replaced by G.
Protein change: p.Arg105Gly; replaces arginine 105 with glycine.
Molecular consequence: missense variant.
Genome position (GRCh38, 1-based): chr10:79,277,213, C>G. VCF-style: chr10-79277213-C-G. GRCh37 (hg19) VCF-style: chr10-81036970-C-G.
Other names: short protein forms R105G.
Identifiers: ClinVar variation 1718039 (VCV001718039.5), dbSNP rs765230560, ClinGen allele CA377415225.

ClinVar aggregate classification (germline): Uncertain significance (1 of 4 stars; one submission).

Submission:

Labcorp Genetics (formerly Invitae), Labcorp
Classification: Uncertain significance. Last evaluated: 2022-09-22. Review status: criteria provided, single submitter. Criteria: Invitae Variant Classification Sherloc (09022015). Collection method: clinical testing. Allele origin: germline.
Comment: This sequence change replaces arginine, which is basic and polar, with glycine, which is neutral and non-polar, at codon 105 of the ZMIZ1 protein (p.Arg105Gly). This variant is not present in population databases (gnomAD no frequency). In summary, the available evidence is currently insufficient to determine the role of this variant in disease. Therefore, it has been classified as a Variant of Uncertain Significance. Algorithms developed to predict the effect of missense changes on protein structure and function are either unavailable or do not agree on the potential impact of this missense change (SIFT: "Tolerated"; PolyPhen-2: "Probably Damaging"; Align-GVGD: "Class C0"). This variant has not been reported in the literature in individuals affected with ZMIZ1-related conditions.